The following is an entry in ClinVar:

ClinVar aggregate classification (germline): Pathogenic (0 of 4 stars; one submission).

Conditions:
Metatropic dysplasia (MTD). Also called: Metatropic dysplasia, nonlethal dominant; METATROPIC DWARFISM; Metatropic Dysplasia, TRPV4-Related. Identifiers: Orphanet 2635, MedGen C0265281, MONDO:0007986, OMIM 156530.

Submission:

Medical Genetics, Meyer Children Hospital
Classification: Pathogenic for Metatropic dysplasia. Last evaluated: 2016-12-29. Review status: no assertion criteria provided. Collection method: clinical testing. Allele origin: de novo. Inheritance: Autosomal dominant inheritance. Affected: yes. Observed: 1 variant allele, 1 heterozygote.
Comment: the variant was de novo; the prediction tools SIFT, Polyphen, MutTaster postulated the variant to be pathogenic

NM_021625.5(TRPV4):c.1207T>A (p.Ser403Thr)

Gene: TRPV4 (transient receptor potential cation channel subfamily V member 4; minus strand). Cytogenetic location: 12q24.11.
Variant type: single nucleotide variant.
Coding change: c.1207T>A on transcript NM_021625.5 (MANE Select); coding-DNA position 1207, T replaced by A.
Protein change: p.Ser403Thr; replaces serine 403 with threonine.
Molecular consequence: missense variant. On other transcripts: intron variant (2).
Genome position (GRCh38, 1-based): chr12:109,796,650, A>T on the plus strand (T>A on the coding strand, the complement: TRPV4 is on the minus strand). VCF-style: chr12-109796650-A-T. GRCh37 (hg19) VCF-style: chr12-110234455-A-T.
Other names: c.1066T>A, p.Ser356Thr (NM_001177428.2); c.1105T>A, p.Ser369Thr (NM_001177431.2); c.1011+1964T>A (NM_001177433.1); c.1152+1964T>A (NM_147204.2); short protein forms S403T, S369T, S356T.
Identifiers: ClinVar variation 370071 (VCV000370071.3), dbSNP rs1565868973, ClinGen allele CA386653845.